The following is an entry in ClinVar:

ClinVar aggregate classification (germline): Uncertain significance (1 of 4 stars; one submission).

Conditions:
Autoimmune lymphoproliferative syndrome type 2A (ALPS2A). Also called: CASP10-Related Autoimmune Lymphoproliferative Syndrome; AUTOIMMUNE LYMPHOPROLIFERATIVE SYNDROME, TYPE IIA; Autoimmune lymphoproliferative syndrome type 2. Identifiers: Orphanet 3261, MedGen C1858968, MONDO:0011383, OMIM 603909.

Allele frequency attached by ClinVar (database versions not stated): gnomAD exomes 0.00002; gnomAD 0.00005; TOPMed 0.00005; ExAC 0.00007.
gnomAD v4.1: 35 of 1,603,652 alleles (0.0022%); highest among the groups gnomAD compares: East Asian, 0.04%; no homozygotes.

Submission:

Labcorp Genetics (formerly Invitae), Labcorp
Classification: Uncertain significance for Autoimmune lymphoproliferative syndrome type 2A. Last evaluated: 2025-07-23. Review status: criteria provided, single submitter. Criteria: Invitae Variant Classification Sherloc (09022015). Collection method: clinical testing. Allele origin: germline.
Comment: This sequence change falls in intron 4 of the CASP10 gene. It does not directly change the encoded amino acid sequence of the CASP10 protein. It affects a nucleotide within the consensus splice site. This variant is present in population databases (rs759671327, gnomAD 0.06%), and has an allele count higher than expected for a pathogenic variant. This variant has not been reported in the literature in individuals affected with CASP10-related conditions. ClinVar contains an entry for this variant (Variation ID: 2056560). Variants that disrupt the consensus splice site are a relatively common cause of aberrant splicing (PMID: 17576681, 9536098). Algorithms developed to predict the effect of sequence changes on RNA splicing suggest that this variant is not likely to affect RNA splicing. In summary, the available evidence is currently insufficient to determine the role of this variant in disease. Therefore, it has been classified as a Variant of Uncertain Significance.

Literature cited by the submitters: PubMed 17576681; PubMed 9536098.

NM_032977.4(CASP10):c.578-3C>T

Gene: CASP10 (caspase 10; plus strand). Cytogenetic location: 2q33.1.
Variant type: single nucleotide variant.
Coding change: c.578-3C>T on transcript NM_032977.4 (MANE Select); 3 bases into the intron before coding-DNA position 578, C replaced by T.
Molecular consequence: intron variant.
Genome position (GRCh38, 1-based): chr2:201,195,839, C>T. VCF-style: chr2-201195839-C-T. GRCh37 (hg19) VCF-style: chr2-202060562-C-T.
Other names: c.578-3C>T (NM_032976.4, NM_001206524.2, NM_032974.5 and 3 more transcripts).
Identifiers: ClinVar variation 2056560 (VCV002056560.4), dbSNP rs759671327, ClinGen allele CA2052917.